The following is an entry in ClinVar:

ClinVar aggregate classification (germline): Pathogenic (1 of 4 stars; one submission).

Conditions:
Usher syndrome type 2C. Also called: Usher syndrome, type 2B; USHER SYNDROME, TYPE IIC. Identifiers: Orphanet 231178, Orphanet 886, MedGen C2931213, MONDO:0011558, OMIM 605472.

Submission:

King Laboratory, University of Washington
Classification: Pathogenic for Usher syndrome type 2C. Last evaluated: 2023-02-28. Review status: criteria provided, single submitter. Criteria: Li et al. (Genet Med. 2022). Collection method: research. Allele origin: unknown. Affected: yes.
Comment: This variant was found in homozygosity in two siblings with Usher Syndrome Type 2, in a study of pediatric hearing loss conducted by the King Laboratory (Carlson RJ et al. JAMA-OtoHNS 2023). These two patients were born to consanguineous parents and have a 1st cousin with a similar hearing loss. This variant is a chromosomal deletion that is predicted to alter splicing. The deletion includes the 5’ end of ADGRV1 exon 76, which is likely to lead to exon skipping, a frameshift in the coding sequence, and early truncation. As of January 2023, this variant has not been reported to ClinVar and is not found on gnomAD. Based on the prediction that this variant leads to a splicing error and a truncated protein, co-segregation with the phenotype in the family, and goodness of fit of genotype to phenotype, we conclude that this variant is pathogenic.

Literature cited by the submitters: PubMed 36633841.

NC_000005.10:g.90118339_90119245del

Gene: ADGRV1 (adhesion G protein-coupled receptor V1; plus strand). Cytogenetic location: 5q14.3.
Variant type: Deletion.
Genome position: GRCh38: chr5:90,118,339-90,119,245. GRCh37 (hg19): chr5:89,414,156-89,415,062.
Identifiers: ClinVar variation 2445626 (VCV002445626.1), dbSNP rs2531240476, ClinGen allele CA2580073712.